The following is an entry in ClinVar:

NM_024334.3(TMEM43):c.12+4A>C

Gene: TMEM43 (transmembrane protein 43; plus strand). Cytogenetic location: 3p25.1.
Variant type: single nucleotide variant.
Coding change: c.12+4A>C on transcript NM_024334.3 (MANE Select); 4 bases into the intron after coding-DNA position 12, A replaced by C.
Molecular consequence: intron variant.
Genome position (GRCh38, 1-based): chr3:14,125,209, A>C. VCF-style: chr3-14125209-A-C. GRCh37 (hg19) VCF-style: chr3-14166709-A-C.
Identifiers: ClinVar variation 1364502 (VCV001364502.6), dbSNP rs2124981822, ClinGen allele CA2573136216.

ClinVar aggregate classification (germline): Uncertain significance (1 of 4 stars; one submission).

Conditions:
Arrhythmogenic right ventricular dysplasia 5. Also called: ARRHYTHMOGENIC RIGHT VENTRICULAR DYSPLASIA, FAMILIAL, 5; Arrhythmogenic Right Ventricular Dysplasia/Cardiomyopathy 5. Identifiers: MedGen C1858379, MONDO:0011459, OMIM 604400.

Allele frequency attached by ClinVar (database versions not stated): gnomAD exomes below 0.00001.

Submission:

Labcorp Genetics (formerly Invitae), Labcorp
Classification: Uncertain significance for Arrhythmogenic right ventricular dysplasia 5. Last evaluated: 2025-01-20. Review status: criteria provided, single submitter. Criteria: Invitae Variant Classification Sherloc (09022015). Collection method: clinical testing. Allele origin: germline.
Comment: This sequence change falls in intron 1 of the TMEM43 gene. It does not directly change the encoded amino acid sequence of the TMEM43 protein. It affects a nucleotide within the consensus splice site. This variant is not present in population databases (gnomAD no frequency). This variant has not been reported in the literature in individuals affected with TMEM43-related conditions. ClinVar contains an entry for this variant (Variation ID: 1364502). Variants that disrupt the consensus splice site are a relatively common cause of aberrant splicing (PMID: 17576681, 9536098). Algorithms developed to predict the effect of sequence changes on RNA splicing suggest that this variant may disrupt the consensus splice site. In summary, the available evidence is currently insufficient to determine the role of this variant in disease. Therefore, it has been classified as a Variant of Uncertain Significance.

Literature cited by the submitters: PubMed 17576681; PubMed 9536098.